The following is an entry in ClinVar:

ClinVar aggregate classification (germline): Uncertain significance (1 of 4 stars; one submission).

Conditions:
Charcot-Marie-Tooth disease type 2. Also called: Charcot-Marie-Tooth type 2. Identifiers: Orphanet 64746, MedGen C0270914, MONDO:0018993.

Submission:

Labcorp Genetics (formerly Invitae), Labcorp
Classification: Uncertain significance for Charcot-Marie-Tooth disease type 2. Last evaluated: 2025-04-16. Review status: criteria provided, single submitter. Criteria: Invitae Variant Classification Sherloc (09022015). Collection method: clinical testing. Allele origin: germline.
Comment: This sequence change replaces glutamic acid, which is acidic and polar, with glycine, which is neutral and non-polar, at codon 147 of the AARS protein (p.Glu147Gly). This variant is not present in population databases (gnomAD no frequency). This variant has not been reported in the literature in individuals affected with AARS-related conditions. An algorithm developed to predict the effect of missense changes on protein structure and function (PolyPhen-2) suggests that this variant is likely to be disruptive. In summary, the available evidence is currently insufficient to determine the role of this variant in disease. Therefore, it has been classified as a Variant of Uncertain Significance.

NM_001605.3(AARS1):c.440A>G (p.Glu147Gly)

Gene: AARS1 (alanyl-tRNA synthetase 1; minus strand). Cytogenetic location: 16q22.1.
Variant type: single nucleotide variant.
Coding change: c.440A>G on transcript NM_001605.3 (MANE Select); coding-DNA position 440, A replaced by G.
Protein change: p.Glu147Gly; replaces glutamic acid 147 with glycine.
Molecular consequence: missense variant.
Genome position (GRCh38, 1-based): chr16:70,276,525, T>C on the plus strand (A>G on the coding strand, the complement: AARS1 is on the minus strand). VCF-style: chr16-70276525-T-C. GRCh37 (hg19) VCF-style: chr16-70310428-T-C.
Other names: short protein forms E147G.
Identifiers: ClinVar variation 4809653 (VCV004809653.1).
Genomic context (GRCh38, chr16:70,276,525, plus strand): 5'-AGAAGTGATGTGCATTCTTACCCCAAATTTTGCCAGATCTGTTTGCATTCCAGATCTGCT[T>C]CTAAGCCAGCTGCTTCATCCCCGCCAAAGTAAGTAACATAAAGTCTTTCAATGGGAATGC-3'
Protein context (NP_001596.2, residues 137-157): YFGGDEAAGL[Glu147Gly]ADLECKQIWQ